The following is an entry in ClinVar:

NM_001297.5(CNGB1):c.2528dup (p.Ile844fs)

Gene: CNGB1 (cyclic nucleotide gated channel subunit beta 1; minus strand). Cytogenetic location: 16q21.
Variant type: Duplication.
Coding change: c.2528dup on transcript NM_001297.5 (MANE Select); coding-DNA position 2528, one base duplicated (T; older notation c.2528dupT).
Protein change: p.Ile844fs; shifts the reading frame from isoleucine 844.
Molecular consequence: frameshift variant.
Genome position (GRCh38, 1-based): chr16:57,904,840, A duplicated on the plus strand (T on the coding strand, the reverse complement: CNGB1 is on the minus strand). VCF-style (leftmost placement, unchanged base first): chr16-57904839-G-GA. GRCh37 (hg19) VCF-style: chr16-57938743-G-GA.
Other names: c.2510dup, p.Ile838fs (NM_001286130.2); short protein forms I838fs, I844fs.
Identifiers: ClinVar variation 1909667 (VCV001909667.5), dbSNP rs1567370223, ClinGen allele CA622686949.

ClinVar aggregate classification (germline): Pathogenic (1 of 4 stars; one submission).

Allele frequency attached by ClinVar (database versions not stated): gnomAD exomes below 0.00001; TOPMed below 0.00001.

Submission:

Labcorp Genetics (formerly Invitae), Labcorp
Classification: Pathogenic. Last evaluated: 2022-08-08. Review status: criteria provided, single submitter. Criteria: Invitae Variant Classification Sherloc (09022015). Collection method: clinical testing. Allele origin: germline.
Comment: For these reasons, this variant has been classified as Pathogenic. This variant has not been reported in the literature in individuals affected with CNGB1-related conditions. This variant is present in population databases (no rsID available, gnomAD 0.003%). This sequence change creates a premature translational stop signal (p.Ile844Hisfs*8) in the CNGB1 gene. It is expected to result in an absent or disrupted protein product. Loss-of-function variants in CNGB1 are known to be pathogenic (PMID: 15557452, 24043777).

Literature cited by the submitters: PubMed 15557452; PubMed 24043777.